The following is an entry in ClinVar:

ClinVar aggregate classification (germline): Uncertain significance. Review status: criteria provided, multiple submitters, no conflicts (2 of 4 stars). 2 submissions from 2 submitters: Uncertain significance (2). Last evaluated 2021-07-30.

Conditions:
Hereditary cancer-predisposing syndrome. Also called: Hereditary neoplastic syndrome; Neoplastic Syndromes, Hereditary; Tumor predisposition; Hereditary Cancer Syndrome. Identifiers: Orphanet 140162, MedGen C0027672, MeSH D009386, MONDO:0015356.

Submissions (2):

Ambry Genetics
Classification: Uncertain significance for Hereditary cancer-predisposing syndrome. Last evaluated: 2021-07-30. Review status: criteria provided, single submitter. Criteria: Ambry Variant Classification Scheme 2023. Collection method: clinical testing. Allele origin: germline.
Comment: The p.M334K variant (also known as c.1001T>A), located in coding exon 11 of the NF2 gene, results from a T to A substitution at nucleotide position 1001. The methionine at codon 334 is replaced by lysine, an amino acid with similar properties. This amino acid position is well conserved in available vertebrate species. In addition, the in silico prediction for this alteration is inconclusive. Since supporting evidence is limited at this time, the clinical significance of this alteration remains unclear.

GeneDx
Classification: Uncertain significance. Last evaluated: 2020-02-28. Review status: criteria provided, single submitter. Criteria: GeneDx Variant Classification Process June 2021. Collection method: clinical testing. Allele origin: germline. Affected: yes.
Comment: Not observed in large population cohorts (Lek 2016); In silico analysis supports that this missense variant has a deleterious effect on protein structure/function; Has not been previously published as pathogenic or benign to our knowledge

NM_000268.4(NF2):c.1001T>A (p.Met334Lys)

Gene: NF2 (NF2, moesin-ezrin-radixin like (MERLIN) tumor suppressor; plus strand). Cytogenetic location: 22q12.2.
Variant type: single nucleotide variant.
Coding change: c.1001T>A on transcript NM_000268.4 (MANE Select); coding-DNA position 1001, T replaced by A.
Protein change: p.Met334Lys; replaces methionine 334 with lysine.
Molecular consequence: missense variant. On other transcripts: non-coding transcript variant (1), intron variant (1).
Genome position (GRCh38, 1-based): chr22:29,671,827, T>A. VCF-style: chr22-29671827-T-A. GRCh37 (hg19) VCF-style: chr22-30067816-T-A.
Other names: c.1001T>A, p.Met334Lys (NM_016418.5, NM_181825.3, NM_181832.3); c.875T>A, p.Met292Lys (NM_181828.3); c.448-22925T>A (NM_181833.3); c.878T>A, p.Met293Lys (NM_181829.3); c.752T>A, p.Met251Lys (NM_181830.3, NM_181831.3); short protein forms M251K, M292K, M293K, M334K.
Identifiers: ClinVar variation 1315104 (VCV001315104.4), dbSNP rs2066798910, ClinGen allele CA411146644.